The following is an entry in ClinVar:

NM_002618.4(PEX13):c.931C>T (p.Arg311Cys)

Gene: PEX13 (peroxisomal biogenesis factor 13; plus strand). Cytogenetic location: 2p15.
Variant type: single nucleotide variant.
Coding change: c.931C>T on transcript NM_002618.4 (MANE Select); coding-DNA position 931, C replaced by T.
Protein change: p.Arg311Cys; replaces arginine 311 with cysteine.
Molecular consequence: missense variant.
Genome position (GRCh38, 1-based): chr2:61,048,489, C>T. VCF-style: chr2-61048489-C-T. GRCh37 (hg19) VCF-style: chr2-61275624-C-T.
Other names: short protein forms R311C.
Identifiers: ClinVar variation 895451 (VCV000895451.8), dbSNP rs376720470, ClinGen allele CA1673401.
Genomic context (GRCh38, chr2:61,048,489, plus strand): 5'-CAAAGTATATTGTAATTACAAGACTGTCTTTTTTTTCCATCAGAACAACAACCCAAAGTG[C>T]GTGGTTGGCTTCTGGCTAGCCTTGATGGCCAAACAACAGGACTTATACCTGCGAATTATG-3'
Protein context (NP_002609.1, residues 301-321): LALKEQQPKV[Arg311Cys]GWLLASLDGQ

ClinVar aggregate classification (germline): Uncertain significance. Review status: criteria provided, multiple submitters, no conflicts (2 of 4 stars). 4 submissions from 4 submitters: Uncertain significance (3). 1 of the submissions does not count toward it. Last evaluated 2023-12-28.

Conditions:
PEX13-related disorder. Also called: PEX13-related condition; PEX13-related disorders.
Peroxisome biogenesis disorder 11A (Zellweger). Also called: Peroxisome biogenesis disorder 11A. Identifiers: Orphanet 912, MedGen C3554000, MONDO:0013949, OMIM 614883.

Allele frequency attached by ClinVar (database versions not stated): TOPMed 0.00001; ExAC 0.00002; gnomAD exomes 0.00002; ESP Exome Variant Server 0.00008.

Submissions (4):

Blueprint Genetics
Classification: Uncertain significance. Last evaluated: 2023-12-28. Review status: criteria provided, single submitter. Criteria: ACMG Guidelines, 2015. Collection method: clinical testing. Allele origin: germline.

Labcorp Genetics (formerly Invitae), Labcorp
Classification: Uncertain significance for Peroxisome biogenesis disorder 11A (Zellweger). Last evaluated: 2022-07-19. Review status: criteria provided, single submitter. Criteria: Invitae Variant Classification Sherloc (09022015). Collection method: clinical testing. Allele origin: germline.
Comment: This sequence change replaces arginine, which is basic and polar, with cysteine, which is neutral and slightly polar, at codon 311 of the PEX13 protein (p.Arg311Cys). This variant is present in population databases (rs376720470, gnomAD 0.006%). This variant has not been reported in the literature in individuals affected with PEX13-related conditions. ClinVar contains an entry for this variant (Variation ID: 895451). Algorithms developed to predict the effect of missense changes on protein structure and function are either unavailable or do not agree on the potential impact of this missense change (SIFT: "Deleterious"; PolyPhen-2: "Benign"; Align-GVGD: "Class C15"). In summary, the available evidence is currently insufficient to determine the role of this variant in disease. Therefore, it has been classified as a Variant of Uncertain Significance.

Illumina Laboratory Services, Illumina
Classification: Uncertain significance for Peroxisome biogenesis disorder 11A (Zellweger). Last evaluated: 2018-01-12. Review status: criteria provided, single submitter. Criteria: ICSL Variant Classification Criteria 13 December 2019. Collection method: clinical testing. Allele origin: germline.

PreventionGenetics, part of Exact Sciences
Classification: Uncertain significance for PEX13-related condition. Last evaluated: 2024-09-11. Review status: no assertion criteria provided. Collection method: clinical testing. Allele origin: germline. Not counted in ClinVar's aggregate classification.
Comment: The PEX13 c.931C>T variant is predicted to result in the amino acid substitution p.Arg311Cys. To our knowledge, this variant has not been reported in the literature. This variant is reported in 0.0058% of alleles in individuals of Latino descent in gnomAD. At this time, the clinical significance of this variant is uncertain due to the absence of conclusive functional and genetic evidence.